The following is an entry in ClinVar:

ClinVar aggregate classification (germline): Pathogenic (1 of 4 stars; one submission).

Conditions:
Congenital hyperammonemia, type I. Also called: Carbamoyl phosphate synthetase 1 deficiency; Hyperammonemia due to carbamoyl phosphate synthetase 1 deficiency; CPS 1 deficiency; Carbamyl phosphate synthetase (CPS) deficiency; CPS I DEFICIENCY; Carbamoyl phosphate synthetase I deficiency disease. Identifiers: Orphanet 147, MedGen C4082171, MONDO:0009376, OMIM 237300.

Submission:

Labcorp Genetics (formerly Invitae), Labcorp
Classification: Pathogenic for Congenital hyperammonemia, type I. Last evaluated: 2022-12-20. Review status: criteria provided, single submitter. Criteria: Invitae Variant Classification Sherloc (09022015). Collection method: clinical testing. Allele origin: unknown.
Comment: For these reasons, this variant has been classified as Pathogenic. This variant disrupts a region of the CPS1 protein in which other variant(s) (p.Arg233Cys) have been determined to be pathogenic (PMID: 27150549, 33190319; Invitae). This suggests that this is a clinically significant region of the protein, and that variants that disrupt it are likely to be disease-causing. A similar copy number variant has been observed in individual(s) with clinical features of carbamoylphosphate synthetase I deficiency (PMID: 32154057). This variant is a gross deletion of the genomic region encompassing exon(s) 7 of the CPS1 gene. This variant would be expected to be in-frame, preserving the integrity of the reading frame.

Literature cited by the submitters: PubMed 27150549; PubMed 33190319; PubMed 32154057.

NC_000002.11:g.(?_211452758)_(211452891_?)del

Gene: CPS1 (carbamoyl-phosphate synthase 1; plus strand). Cytogenetic location: 2q34.
Variant type: Deletion.
Identifiers: ClinVar variation 3247429 (VCV003247429.1).